The following is an entry in ClinVar:

ClinVar aggregate classification (germline): Conflicting classifications of pathogenicity. Review status: criteria provided, conflicting classifications (1 of 4 stars). 8 submissions from 8 submitters: Uncertain significance (7); Likely benign (1). Last evaluated 2026-03-27.

Conditions:
Arrhythmogenic right ventricular dysplasia 9 (ARVD9). Also called: Arrhythmogenic Right Ventricular Dysplasia/Cardiomyopathy 9; ARRHYTHMOGENIC RIGHT VENTRICULAR DYSPLASIA, FAMILIAL, 9. Identifiers: MedGen C1836906, MONDO:0012180, OMIM 609040.
PKP2-related disorder. Also called: PKP2-related condition.
Arrhythmogenic right ventricular cardiomyopathy (ARVD). Also called: Arrhythmogenic cardiomyopathy; Arrhythmogenic Right Ventricular Cardiomyopathy (ARVC); Arrhythmogenic right ventricular dysplasia; Cardiomyopathy, ARVC. Identifiers: Orphanet 247, MedGen C0349788, MeSH D019571, MONDO:0016587. Disease mechanism: loss of function. Inheritance: Various modes of inheritance.
Cardiovascular phenotype. Identifiers: MedGen CN230736.
Cardiomyopathy (CMYO). Also called: Cardiomyopathies. Identifiers: Orphanet 167848, MedGen C0878544, MONDO:0004994, HP:0001638. Inheritance: Various modes of inheritance.

Allele frequency attached by ClinVar (database versions not stated): ESP Exome Variant Server 0.00015; ExAC 0.00002; gnomAD 0.00003 and 0.00005; gnomAD exomes 0.00004; TOPMed 0.00004.
gnomAD v4.1: 74 of 1,614,028 alleles (0.0046%); highest among the groups gnomAD compares: Admixed American, 0.01%; no homozygotes.

Submissions (8):

PreventionGenetics, part of Exact Sciences
Classification: Uncertain significance for PKP2-related condition. Last evaluated: 2026-03-27. Review status: criteria provided, single submitter. Criteria: ACMG Guidelines, 2015. Collection method: clinical testing. Allele origin: germline.
Comment: The PKP2 c.974C>T variant is predicted to result in the amino acid substitution p.Ala325Val. This variant has been reported in an individual with Brugada syndrome who also carried a splice variant in the SCN5A gene (Dechert et al. 2019. PubMed ID: 31189615). This variant has also been reported in a cohort of cardiomyopathy patients; however, clinical correlation was not provided (Table S5, Perret et al. 2023. PubMed ID: 37904629). This variant is reported in 0.0063% of alleles in individuals of European (non-Finnish) descent in gnomAD and is interpreted as uncertain in ClinVar (Variation ID: 568756). At this time, the clinical significance of this variant is uncertain due to the absence of conclusive functional and genetic evidence.

Ambry Genetics
Classification: Uncertain significance for Cardiovascular phenotype. Last evaluated: 2025-01-08. Review status: criteria provided, single submitter. Criteria: Ambry Variant Classification Scheme 2023. Collection method: clinical testing. Allele origin: germline.

All of Us Research Program, National Institutes of Health
Classification: Uncertain significance for Arrhythmogenic right ventricular cardiomyopathy. Last evaluated: 2024-09-23. Review status: criteria provided, single submitter. Criteria: ACMG Guidelines, 2015. Collection method: clinical testing. Allele origin: germline. Inheritance: Autosomal dominant inheritance. Observed: 14 variant alleles, 14 heterozygotes.
Comment: This missense variant replaces alanine with valine at codon 325 of the PKP2 protein. Computational prediction suggests that this variant may not impact protein structure and function (internally defined REVEL score threshold <= 0.5, PMID: 27666373). To our knowledge, functional studies have not been reported for this variant. This variant has been reported in an individual affected with Brugada syndrome, who also carried a pathogenic variant in the SCN5A gene that could explain the observed phenotype (PMID: 31189615). This variant has also been observed in an individual affected with dilated cardiomyopathy (PMID: 37904629). This variant has also been identified in 12/281476 chromosomes in the general population by the Genome Aggregation Database (gnomAD). The available evidence is insufficient to determine the role of this variant in disease conclusively. Therefore, this variant is classified as a Variant of Uncertain Significance.

This study involves interpretation of variants in research participants for the purpose of population health screening. Participant phenotype was not available at the time of variant classification. Additional details can be found in publication PMID: 35346344, PMCID: PMC8962531

Blueprint Genetics
Classification: Likely benign. Last evaluated: 2024-04-29. Review status: criteria provided, single submitter. Criteria: ACMG Guidelines, 2015. Collection method: clinical testing. Allele origin: germline.

Color Diagnostics, LLC DBA Color Health
Classification: Uncertain significance for Cardiomyopathy. Last evaluated: 2024-03-07. Review status: criteria provided, single submitter. Criteria: ACMG Guidelines, 2015. Collection method: clinical testing. Allele origin: germline.
Comment: This missense variant replaces alanine with valine at codon 325 of the PKP2 protein. Computational prediction suggests that this variant may not impact protein structure and function (internally defined REVEL score threshold <= 0.5, PMID: 27666373). To our knowledge, functional studies have not been reported for this variant. This variant has been reported in an individual affected with Brugada syndrome, who also carried a pathogenic variant in the SCN5A gene that could explain the observed phenotype (PMID: 31189615). This variant has also been observed in an individual affected with dilated cardiomyopathy (PMID: 37904629). This variant has also been identified in 12/281476 chromosomes in the general population by the Genome Aggregation Database (gnomAD). The available evidence is insufficient to determine the role of this variant in disease conclusively. Therefore, this variant is classified as a Variant of Uncertain Significance.

Labcorp Genetics (formerly Invitae), Labcorp
Classification: Uncertain significance for Arrhythmogenic right ventricular dysplasia 9. Last evaluated: 2024-01-22. Review status: criteria provided, single submitter. Criteria: Invitae Variant Classification Sherloc (09022015). Collection method: clinical testing. Allele origin: germline.
Comment: This sequence change replaces alanine, which is neutral and non-polar, with valine, which is neutral and non-polar, at codon 325 of the PKP2 protein (p.Ala325Val). This variant is present in population databases (rs201803918, gnomAD 0.006%). This variant has not been reported in the literature in individuals affected with PKP2-related conditions. ClinVar contains an entry for this variant (Variation ID: 568756). An algorithm developed to predict the effect of missense changes on protein structure and function (PolyPhen-2) suggests that this variant¬†is likely to be tolerated. In summary, the available evidence is currently insufficient to determine the role of this variant in disease. Therefore, it has been classified as a Variant of Uncertain Significance.

GeneDx
Classification: Uncertain significance. Last evaluated: 2020-05-19. Review status: criteria provided, single submitter. Criteria: GeneDx Variant Classification Process June 2021. Collection method: clinical testing. Allele origin: germline. Affected: yes.
Comment: Has not been previously published as pathogenic or benign to our knowledge; In silico analysis, which includes protein predictors and evolutionary conservation, supports that this variant does not alter protein structure/function; Reported in ClinVar as a variant of uncertain significance (ClinVar Variant ID# 568756; Landrum et al., 2016)

CHEO Genetics Diagnostic Laboratory, Children's Hospital of Eastern Ontario
Classification: Uncertain significance for Cardiomyopathy. Last evaluated: 2016-03-16. Review status: criteria provided, single submitter. Criteria: ACMG Guidelines, 2015. Collection method: clinical testing. Allele origin: germline. Study: Canadian Open Genetics Repository.

Literature cited by the submitters: PubMed 31189615 (cited by All of Us Research Program, National Institutes of Health and Color Diagnostics, LLC DBA Color Health); PubMed 37904629 (cited by All of Us Research Program, National Institutes of Health and Color Diagnostics, LLC DBA Color Health).

NM_001005242.3(PKP2):c.974C>T (p.Ala325Val)

Gene: PKP2 (plakophilin 2; minus strand). Cytogenetic location: 12p11.21.
Variant type: single nucleotide variant.
Coding change: c.974C>T on transcript NM_001005242.3 (MANE Select); coding-DNA position 974, C replaced by T.
Protein change: p.Ala325Val; replaces alanine 325 with valine.
Molecular consequence: missense variant.
Genome position (GRCh38, 1-based): chr12:32,877,906, G>A on the plus strand (C>T on the coding strand, the complement: PKP2 is on the minus strand). VCF-style: chr12-32877906-G-A. GRCh37 (hg19) VCF-style: chr12-33030840-G-A.
Other names: c.974C>T, p.Ala325Val (NM_004572.4); short protein forms A325V.
Identifiers: ClinVar variation 568756 (VCV000568756.21), dbSNP rs201803918, ClinGen allele CA039734.